The following is an entry in ClinVar:

ClinVar aggregate classification (germline): Likely benign. Review status: criteria provided, multiple submitters, no conflicts (2 of 4 stars). 2 submissions from 2 submitters: Likely benign (2). Last evaluated 2024-09-04.

Allele frequency attached by ClinVar (database versions not stated): gnomAD exomes 0.00026; ExAC 0.00102; gnomAD 0.00212; TOPMed 0.00259; ESP Exome Variant Server 0.00331; 1000 Genomes Project 30x 0.00359; 1000 Genomes Project 0.00379.

Submissions (2):

Blueprint Genetics
Classification: Likely benign. Last evaluated: 2024-09-04. Review status: criteria provided, single submitter. Criteria: ACMG Guidelines, 2015. Collection method: clinical testing. Allele origin: germline.

CeGaT Center for Human Genetics Tuebingen
Classification: Likely benign. Last evaluated: 2023-12-01. Review status: criteria provided, single submitter. Criteria: CeGaT Center For Human Genetics Tuebingen Variant Classification Criteria Version 2. Collection method: clinical testing. Allele origin: germline. Affected: yes. Observed: 1 variant allele.
Comment: POLR2A: BP4, BS1

NM_000937.5(POLR2A):c.4101+8C>T

Genes: POLR2A (RNA polymerase II subunit A; plus strand), LOC126862482 (CDK7 strongly-dependent group 2 enhancer GRCh37_chr17:7414586-7415785; plus strand). Cytogenetic location: 17p13.1.
Variant type: single nucleotide variant.
Coding change: c.4101+8C>T on transcript NM_000937.5 (MANE Select); 8 bases into the intron after coding-DNA position 4101, C replaced by T.
Molecular consequence: intron variant.
Genome position (GRCh38, 1-based): chr17:7,511,596, C>T. VCF-style: chr17-7511596-C-T. GRCh37 (hg19) VCF-style: chr17-7414915-C-T.
Identifiers: ClinVar variation 3025651 (VCV003025651.23), dbSNP rs146280839, ClinGen allele CA8350178.